The following is an entry in ClinVar:

NM_016252.4(BIRC6):c.6051A>G (p.Thr2017=)

Gene: BIRC6 (baculoviral IAP repeat containing 6; plus strand). Cytogenetic location: 2p22.3.
Variant type: single nucleotide variant.
Coding change: c.6051A>G on transcript NM_016252.4 (MANE Select); coding-DNA position 6051, A replaced by G.
Protein change: p.Thr2017=; no amino-acid change (threonine 2017 retained).
Molecular consequence: synonymous variant.
Genome position (GRCh38, 1-based): chr2:32,468,707, A>G. VCF-style: chr2-32468707-A-G. GRCh37 (hg19) VCF-style: chr2-32693775-A-G.
Other names: c.6021A>G, p.Thr2007= (NM_001378125.1).
Identifiers: ClinVar variation 3041249 (VCV003041249.2), dbSNP rs149167251, ClinGen allele CA1603772.

ClinVar aggregate classification (germline): Likely benign (0 of 4 stars; one submission).

Conditions:
BIRC6-related disorder. Also called: BIRC6-related condition.

Allele frequency attached by ClinVar (database versions not stated): 1000 Genomes Project 30x 0.00016; gnomAD 0.00019; 1000 Genomes Project 0.00020; TOPMed 0.00020; ESP Exome Variant Server 0.00023; ExAC 0.00027.
gnomAD v4.1: 360 of 1,613,980 alleles (0.022%); highest among the groups gnomAD compares: Non-Finnish European, 0.028%; 1 homozygote.

Submission:

PreventionGenetics, part of Exact Sciences
Classification: Likely benign for BIRC6-related condition. Last evaluated: 2019-05-13. Review status: no assertion criteria provided. Collection method: clinical testing. Allele origin: germline.
Comment: This variant is classified as likely benign based on ACMG/AMP sequence variant interpretation guidelines (Richards et al. 2015 PMID: 25741868, with internal and published modifications).